The following is an entry in ClinVar:

ClinVar aggregate classification (germline): Likely benign (0 of 4 stars; one submission).

Conditions:
EP300-related disorder. Also called: EP300-related disorders; EP300-related condition.

Submission:

PreventionGenetics, part of Exact Sciences
Classification: Likely benign for EP300-related condition. Last evaluated: 2023-12-20. Review status: no assertion criteria provided. Collection method: clinical testing. Allele origin: germline.
Comment: This variant is classified as likely benign based on ACMG/AMP sequence variant interpretation guidelines (Richards et al. 2015 PMID: 25741868, with internal and published modifications).

NM_001429.4(EP300):c.6016C>T (p.Leu2006=)

Gene: EP300 (E1A binding protein p300; plus strand). Cytogenetic location: 22q13.2.
Variant type: single nucleotide variant.
Coding change: c.6016C>T on transcript NM_001429.4 (MANE Select); coding-DNA position 6016, C replaced by T.
Protein change: p.Leu2006=; no amino-acid change (leucine 2006 retained).
Molecular consequence: synonymous variant.
Genome position (GRCh38, 1-based): chr22:41,177,727, C>T. VCF-style: chr22-41177727-C-T. GRCh37 (hg19) VCF-style: chr22-41573731-C-T.
Other names: c.5938C>T, p.Leu1980= (NM_001362843.2).
Identifiers: ClinVar variation 3049851 (VCV003049851.2), dbSNP rs2145518970, ClinGen allele CA514794571.
Genomic context (GRCh38, chr22:41,177,727, plus strand): 5'-CCGACAGGGATGCAGCAACAGCCACCCTGGAGCCAAGGAGGATTGCCTCAGCCCCAGCAA[C>T]TACAGTCTGGGATGCCAAGGCCAGCCATGATGTCAGTGGCCCAGCATGGTCAACCTTTGA-3'
Protein context (NP_001420.2, residues 1996-2016): SQGGLPQPQQ[Leu2006=]QSGMPRPAMM